The following is an entry in ClinVar:

NM_005751.5(AKAP9):c.2704T>G (p.Leu902Val)

Gene: AKAP9 (A-kinase anchoring protein 9; plus strand). Cytogenetic location: 7q21.2.
Variant type: single nucleotide variant.
Coding change: c.2704T>G on transcript NM_005751.5 (MANE Select); coding-DNA position 2704, T replaced by G.
Protein change: p.Leu902Val; replaces leucine 902 with valine.
Molecular consequence: missense variant.
Genome position (GRCh38, 1-based): chr7:92,002,621, T>G. VCF-style: chr7-92002621-T-G. GRCh37 (hg19) VCF-style: chr7-91631935-T-G.
Other names: c.2704T>G, p.Leu902Val (NM_147185.3); short protein forms L902V.
Identifiers: ClinVar variation 953601 (VCV000953601.13), dbSNP rs893173151, ClinGen allele CA161908257.
Genomic context (GRCh38, chr7:92,002,621, plus strand): 5'-AAAAATAAACAGGAATTAGAGTATAAAAGTAAACTTAAAGCACTTAATGAAGAGCTTCAT[T>G]TGCAAAGAATAAATCCAACTACAGTGAAAATGAAAAGTTCTGTCTTTGATGAAGACAAAA-3'
Protein context (NP_005742.4, residues 892-912): KLKALNEELH[Leu902Val]QRINPTTVKM

ClinVar aggregate classification (germline): Conflicting classifications of pathogenicity. Review status: criteria provided, conflicting classifications (1 of 4 stars). 3 submissions from 3 submitters: Uncertain significance (2); Likely benign (1). Last evaluated 2025-03-31.

Conditions:
Cardiovascular phenotype. Identifiers: MedGen CN230736.
Long QT syndrome (LQTS). Identifiers: MedGen C0023976, MeSH D008133, MONDO:0002442. Disease mechanism: loss of function. Inheritance: Various modes of inheritance.
AKAP9-related disorder. Also called: AKAP9-related condition.

Allele frequency attached by ClinVar (database versions not stated): gnomAD exomes 0.00001; gnomAD 0.00002; TOPMed 0.00002.
gnomAD v4.1: 23 of 1,612,152 alleles (0.0014%); highest among the groups gnomAD compares: Non-Finnish European, 0.0018%; no homozygotes.

Submissions (3):

Ambry Genetics
Classification: Likely benign for Cardiovascular phenotype. Last evaluated: 2025-03-31. Review status: criteria provided, single submitter. Criteria: Ambry Variant Classification Scheme 2023. Collection method: clinical testing. Allele origin: germline.

PreventionGenetics, part of Exact Sciences
Classification: Uncertain significance for AKAP9-related condition. Last evaluated: 2024-12-18. Review status: criteria provided, single submitter. Criteria: ACMG Guidelines, 2015. Collection method: clinical testing. Allele origin: germline.
Comment: The AKAP9 c.2704T>G variant is predicted to result in the amino acid substitution p.Leu902Val. To our knowledge, this variant has not been reported in the literature. This variant is reported in 0.034% of alleles in individuals of African descent in gnomAD. At this time, the clinical significance of this variant is uncertain due to the absence of conclusive functional and genetic evidence.

Labcorp Genetics (formerly Invitae), Labcorp
Classification: Uncertain significance for Long QT syndrome. Last evaluated: 2021-04-15. Review status: criteria provided, single submitter. Criteria: Invitae Variant Classification Sherloc (09022015). Collection method: clinical testing. Allele origin: germline.
Comment: In summary, the available evidence is currently insufficient to determine the role of this variant in disease. Therefore, it has been classified as a Variant of Uncertain Significance. Algorithms developed to predict the effect of missense changes on protein structure and function are either unavailable or do not agree on the potential impact of this missense change (SIFT: "Tolerated"; PolyPhen-2: "Possibly Damaging"; Align-GVGD: "Class C0"). This variant has not been reported in the literature in individuals with AKAP9-related conditions. This variant is not present in population databases (ExAC no frequency). This sequence change replaces leucine with valine at codon 902 of the AKAP9 protein (p.Leu902Val). The leucine residue is moderately conserved and there is a small physicochemical difference between leucine and valine.